The following is an entry in ClinVar:

NM_002863.5(PYGL):c.1801C>T (p.Pro601Ser)

Gene: PYGL (glycogen phosphorylase L; minus strand). Cytogenetic location: 14q22.1.
Variant type: single nucleotide variant.
Coding change: c.1801C>T on transcript NM_002863.5 (MANE Select); coding-DNA position 1801, C replaced by T.
Protein change: p.Pro601Ser; replaces proline 601 with serine.
Molecular consequence: missense variant.
Genome position (GRCh38, 1-based): chr14:50,912,004, G>A on the plus strand (C>T on the coding strand, the complement: PYGL is on the minus strand). VCF-style: chr14-50912004-G-A. GRCh37 (hg19) VCF-style: chr14-51378722-G-A.
Other names: c.1699C>T, p.Pro567Ser (NM_001163940.2); short protein forms P601S, P567S.
Identifiers: ClinVar variation 5002933 (VCV005002933.1).
Genomic context (GRCh38, chr14:50,912,004, plus strand): 5'-GCCCTCAAGTCCCCATTGAATAGATTCAACTTACTTTACCACCAATGATAACTGTCCTTG[G>A]CACGAATAACTTCTTAGGGTCTTTCTTAATGCCTGAAAAAGATGGAGAAGTGGATGAAAT-3'
Protein context (NP_002854.3, residues 591-611): IKKDPKKLFV[Pro601Ser]RTVIIGGKAA

ClinVar aggregate classification (germline): Uncertain significance (1 of 4 stars; one submission).

Conditions:
Glycogen storage disease, type VI (GSD6). Also called: Hepatic glycogen phosphorylase deficiency; Glycogen storage disease type 6; Glycogen storage disease type 6, due to phosphorylation; GSD VI; HERS DISEASE; PHOSPHORYLASE DEFICIENCY GLYCOGEN-STORAGE DISEASE OF LIVER. Identifiers: Orphanet 369, MedGen C0017925, MONDO:0009294, OMIM 232700.

Submission:

OLLIN Analises Genomicas, OLLIN
Classification: Uncertain significance for Glycogen storage disease, type VI. Last evaluated: 2026-08-06. Review status: criteria provided, single submitter. Criteria: ACMG Guidelines 2015 PMID 25741868. Collection method: clinical testing. Allele origin: germline.
Comment: This missense variant, located in exon 15 (of 20), is absent from gnomAD and ClinVar and has not been identified in the literature. In silico analysis predicts that this variant has a deleterious effect. According to the currently available evidence, this variant has been classified as uncertain significance (PM2_P, PP3_S).